The following is an entry in ClinVar:

NM_003922.4(HERC1):c.13843C>A (p.Leu4615Ile)

Gene: HERC1 (HECT and RLD domain containing E3 ubiquitin protein ligase family member 1; minus strand). Cytogenetic location: 15q22.31.
Variant type: single nucleotide variant.
Coding change: c.13843C>A on transcript NM_003922.4 (MANE Select); coding-DNA position 13843, C replaced by A.
Protein change: p.Leu4615Ile; replaces leucine 4615 with isoleucine.
Molecular consequence: missense variant.
Genome position (GRCh38, 1-based): chr15:63,616,528, G>T on the plus strand (C>A on the coding strand, the complement: HERC1 is on the minus strand). VCF-style: chr15-63616528-G-T. GRCh37 (hg19) VCF-style: chr15-63908727-G-T.
Other names: short protein forms L4615I.
Identifiers: ClinVar variation 1321007 (VCV001321007.9), dbSNP rs759412132, ClinGen allele CA7603639.
Genomic context (GRCh38, chr15:63,616,528, plus strand): 5'-TGTGAAGAATGCTGTTGAGAGTCTGCACGTAGAGCAGATCCACCTCCTCCAGGTCCTCTA[G>T]GGTGAGTGGGACACAGCACAGCTGCTTCCACACCAGAGGGGCCAAGTGGAGGTCCAGAGG-3'
Protein context (NP_003913.3, residues 4605-4625): WKQLCCVPLT[Leu4615Ile]EDLEEVDLLY

ClinVar aggregate classification (germline): Uncertain significance. Review status: criteria provided, multiple submitters, no conflicts (2 of 4 stars). 3 submissions from 3 submitters: Uncertain significance (3). Last evaluated 2025-07-31.

Conditions:
Inborn genetic diseases. Identifiers: MedGen C0950123, MeSH D030342.

Allele frequency attached by ClinVar (database versions not stated): ExAC 0.00002; gnomAD exomes 0.00002.
gnomAD v4.1: 62 of 1,613,846 alleles (0.0038%); highest among the groups gnomAD compares: Non-Finnish European, 0.0051%; no homozygotes.

Submissions (3):

GeneDx
Classification: Uncertain significance. Last evaluated: 2025-07-31. Review status: criteria provided, single submitter. Criteria: GeneDx Variant Classification Process June 2021. Collection method: clinical testing. Allele origin: germline. Affected: yes.
Comment: Not observed at significant frequency in large population cohorts (gnomAD); In silico analysis suggests that this missense variant does not alter protein structure/function; Has not been previously published as pathogenic or benign to our knowledge

Ambry Genetics
Classification: Uncertain significance for Inborn genetic diseases. Last evaluated: 2023-12-21. Review status: criteria provided, single submitter. Criteria: Ambry Variant Classification Scheme 2023. Collection method: clinical testing. Allele origin: germline.

Labcorp Genetics (formerly Invitae), Labcorp
Classification: Uncertain significance. Last evaluated: 2022-07-02. Review status: criteria provided, single submitter. Criteria: Invitae Variant Classification Sherloc (09022015). Collection method: clinical testing. Allele origin: germline.
Comment: Algorithms developed to predict the effect of missense changes on protein structure and function are either unavailable or do not agree on the potential impact of this missense change (SIFT: "Deleterious"; PolyPhen-2: "Probably Damaging"; Align-GVGD: "Class C0"). In summary, the available evidence is currently insufficient to determine the role of this variant in disease. Therefore, it has been classified as a Variant of Uncertain Significance. ClinVar contains an entry for this variant (Variation ID: 1321007). This variant has not been reported in the literature in individuals affected with HERC1-related conditions. This variant is present in population databases (rs759412132, gnomAD 0.006%). This sequence change replaces leucine, which is neutral and non-polar, with isoleucine, which is neutral and non-polar, at codon 4615 of the HERC1 protein (p.Leu4615Ile).